The following is an entry in ClinVar:

NM_138694.4(PKHD1):c.8950+1G>A

Gene: PKHD1 (PKHD1 ciliary IPT domain containing fibrocystin/polyductin; minus strand). Cytogenetic location: 6p12.3.
Variant type: single nucleotide variant.
Coding change: c.8950+1G>A on transcript NM_138694.4 (MANE Select); the canonical splice donor site of the intron after coding-DNA position 8950, G replaced by A.
Molecular consequence: splice donor variant.
Genome position (GRCh38, 1-based): chr6:51,753,200, C>T on the plus strand (G>A on the coding strand, the complement: PKHD1 is on the minus strand). VCF-style: chr6-51753200-C-T. GRCh37 (hg19) VCF-style: chr6-51617998-C-T.
Other names: c.8950+1G>A (NM_170724.3, NM_138694.3).
Identifiers: ClinVar variation 2703667 (VCV002703667.5), dbSNP rs1351918391, ClinGen allele CA364426302.

ClinVar aggregate classification (germline): Likely pathogenic. Review status: criteria provided, single submitter (1 of 4 stars). 2 submissions from 2 submitters: Likely pathogenic (1). 1 of the submissions does not count toward it. Last evaluated 2023-12-17.

Conditions:
PKHD1-related disorder. Also called: PKHD1-related condition.
Autosomal recessive polycystic kidney disease (ARPKD). Also called: AR polycystic kidney disease. Identifiers: Orphanet 731, Orphanet 8378, MedGen C0085548, MeSH D017044, MONDO:0009889.

Allele frequency attached by ClinVar (database versions not stated): gnomAD exomes below 0.00001.
gnomAD v4.1: 5 of 1,613,306 alleles (0.00031%); highest among the groups gnomAD compares: Non-Finnish European, 0.00042%; no homozygotes.

Submissions (2):

Labcorp Genetics (formerly Invitae), Labcorp
Classification: Likely pathogenic for Autosomal recessive polycystic kidney disease. Last evaluated: 2023-12-17. Review status: criteria provided, single submitter. Criteria: Invitae Variant Classification Sherloc (09022015). Collection method: clinical testing. Allele origin: germline.
Comment: This sequence change affects a donor splice site in intron 57 of the PKHD1 gene. It is expected to disrupt RNA splicing. Variants that disrupt the donor or acceptor splice site typically lead to a loss of protein function (PMID: 16199547), and loss-of-function variants in PKHD1 are known to be pathogenic (PMID: 19940839). This variant is present in population databases (no rsID available, gnomAD 0.0009%). This variant has not been reported in the literature in individuals affected with PKHD1-related conditions. Algorithms developed to predict the effect of sequence changes on RNA splicing suggest that this variant may disrupt the consensus splice site. In summary, the currently available evidence indicates that the variant is pathogenic, but additional data are needed to prove that conclusively. Therefore, this variant has been classified as Likely Pathogenic.

PreventionGenetics, part of Exact Sciences
Classification: Likely pathogenic for PKHD1-related condition. Last evaluated: 2024-02-07. Review status: no assertion criteria provided. Collection method: clinical testing. Allele origin: germline. Not counted in ClinVar's aggregate classification.
Comment: The PKHD1 c.8950+1G>A variant is predicted to disrupt the GT donor site and interfere with normal splicing. To our knowledge, this variant has not been reported in the literature. This variant is reported in 0.00088% of alleles in individuals of European (Non-Finnish) descent in gnomAD. Variants that disrupt the consensus splice donor site in PKHD1 are expected to be pathogenic. This variant is interpreted as likely pathogenic.

Literature cited by the submitters: PubMed 16199547 (cited by Labcorp Genetics (formerly Invitae), Labcorp); PubMed 19940839 (cited by Labcorp Genetics (formerly Invitae), Labcorp).